The following is an entry in ClinVar:

ClinVar aggregate classification (germline): Uncertain significance (1 of 4 stars; one submission).

Submission:

GeneDx
Classification: Uncertain significance. Last evaluated: 2026-02-06. Review status: criteria provided, single submitter. Criteria: GeneDx Variant Classification Process June 2021. Collection method: clinical testing. Allele origin: germline.
Comment: Not observed at significant frequency in large population cohorts (gnomAD); Frameshift variant predicted to result in abnormal protein length as the last 68 amino acid(s) are replaced with 9 different amino acid(s); Has not been previously published as pathogenic or benign to our knowledge

NM_020738.4(KIDINS220):c.5111del (p.Gly1704fs)

Gene: KIDINS220 (kinase D interacting substrate 220; minus strand). Cytogenetic location: 2p25.1.
Variant type: Deletion.
Coding change: c.5111del on transcript NM_020738.4 (MANE Select); coding-DNA position 5111, one base deleted (G; older notation c.5111delG).
Protein change: p.Gly1704fs; shifts the reading frame from glycine 1704.
Molecular consequence: frameshift variant. On other transcripts: intron variant (6).
Genome position (GRCh38, 1-based): chr2:8,730,925, C deleted on the plus strand (G on the coding strand, the reverse complement: KIDINS220 is on the minus strand); the first of 3 consecutive C bases (chr2:8,730,925-8,730,927); deleting any one gives the same sequence. VCF-style (leftmost placement, unchanged base first): chr2-8730924-TC-T. GRCh37 (hg19) VCF-style: chr2-8871054-TC-T.
Other names: c.5114del, p.Gly1705fs (NM_001348729.2); c.5057del, p.Gly1686fs (NM_001348731.2); c.5054del, p.Gly1685fs (NM_001348732.2); c.4943del, p.Gly1648fs (NM_001348734.2); c.4940del, p.Gly1647fs (NM_001348735.2); c.4814del, p.Gly1605fs (NM_001348736.2); c.3882+2519del (NM_001348741.2, NM_001348742.2, NM_001348743.2); c.3996+2519del (NM_001348738.2); and 1 more; short protein forms G1605fs, G1647fs, G1648fs, G1685fs, G1686fs, G1704fs, G1705fs.
Identifiers: ClinVar variation 4888085 (VCV004888085.1).